The following is an entry in ClinVar:

ClinVar aggregate classification (germline): Uncertain significance (1 of 4 stars; one submission).

Submission:

Laboratory for Molecular Medicine, Mass General Brigham Personalized Medicine
Classification: Uncertain significance. Last evaluated: 2020-06-01. Review status: criteria provided, single submitter. Criteria: LMM Criteria. Collection method: clinical testing. Allele origin: germline. Observed: 2 variant alleles.
Comment: Variant classified as Uncertain Significance - Favor Pathogenic. It was absent from large population studies. This variant affects the translation initiation start codon (ATG) and is therefore predicted to disrupt translation although a variety of outcomes (no protein synthesis or the activation of an upstream translation initiation codon) are possible. Of note, several isoforms of the DFNB59 gene exist, with a transcript of similar length and coding regions (NM_001353775.1) having an alternate initiation codon location. In summary, while there is some suspicion for a pathogenic role, the clinical significance of this variant is uncertain. ACMG/AMP Criteria applied: PM2, PVS1_Supporting, PM3.

NM_001042702.5(PJVK):c.1A>G (p.Met1Val)

Gene: PJVK (pejvakin; plus strand). Cytogenetic location: 2q31.2.
Variant type: single nucleotide variant.
Coding change: c.1A>G on transcript NM_001042702.5 (MANE Select); coding-DNA position 1, A replaced by G.
Protein change: p.Met1Val; changes the start codon (methionine 1).
Molecular consequence: missense variant, initiator codon variant. On other transcripts: intron variant (4).
Genome position (GRCh38, 1-based): chr2:178,453,410, A>G. VCF-style: chr2-178453410-A-G. GRCh37 (hg19) VCF-style: chr2-179318137-A-G.
Other names: c.1A>G, p.Met1Val (NM_001369912.1); c.-334-143A>G (NM_001353777.1); c.31-21A>G (NM_001353775.2); c.-456-21A>G (NM_001353778.2); c.127-21A>G (NM_001353776.2); short protein forms M1V.
Identifiers: ClinVar variation 1120092 (VCV001120092.5), dbSNP rs1697832820, ClinGen allele CA349397089.